The following is an entry in ClinVar:

ClinVar aggregate classification (germline): Uncertain significance (1 of 4 stars; one submission).

Submission:

Labcorp Genetics (formerly Invitae), Labcorp
Classification: Uncertain significance. Last evaluated: 2023-10-05. Review status: criteria provided, single submitter. Criteria: Invitae Variant Classification Sherloc (09022015). Collection method: clinical testing. Allele origin: germline.
Comment: This sequence change replaces serine, which is neutral and polar, with tyrosine, which is neutral and polar, at codon 1636 of the PLXNA2 protein (p.Ser1636Tyr). This variant is not present in population databases (gnomAD no frequency). This variant has not been reported in the literature in individuals affected with PLXNA2-related conditions. Advanced modeling of protein sequence and biophysical properties (such as structural, functional, and spatial information, amino acid conservation, physicochemical variation, residue mobility, and thermodynamic stability) performed at Invitae indicates that this missense variant is expected to disrupt PLXNA2 protein function. In summary, the available evidence is currently insufficient to determine the role of this variant in disease. Therefore, it has been classified as a Variant of Uncertain Significance.

NM_025179.4(PLXNA2):c.4907C>A (p.Ser1636Tyr)

Gene: PLXNA2 (plexin A2; minus strand). Cytogenetic location: 1q32.2.
Variant type: single nucleotide variant.
Coding change: c.4907C>A on transcript NM_025179.4 (MANE Select); coding-DNA position 4907, C replaced by A.
Protein change: p.Ser1636Tyr; replaces serine 1636 with tyrosine.
Molecular consequence: missense variant.
Genome position (GRCh38, 1-based): chr1:208,033,467, G>T on the plus strand (C>A on the coding strand, the complement: PLXNA2 is on the minus strand). VCF-style: chr1-208033467-G-T. GRCh37 (hg19) VCF-style: chr1-208206812-G-T.
Other names: short protein forms S1636Y.
Identifiers: ClinVar variation 2799125 (VCV002799125.3), dbSNP rs1664570692, ClinGen allele CA344560856.
Genomic context (GRCh38, chr1:208,033,467, plus strand): 5'-TTCACCAGATGCCACACCTTGACCCCACTTTCCAGGTCTGGGGTGATCATCGGGGCCCGG[G>T]ACCGCAGGCTGTCGGGGCTGCCCGTATACCTGAAGGAGGAGTCTGAGGAGAAGGGGTTGG-3'
Protein context (NP_079455.3, residues 1626-1646): RYTGSPDSLR[Ser1636Tyr]RAPMITPDLE